The following is an entry in ClinVar:

NM_002693.3(POLG):c.3445G>A (p.Ala1149Thr)

Gene: POLG (DNA polymerase gamma, catalytic subunit; minus strand). Cytogenetic location: 15q26.1.
Variant type: single nucleotide variant.
Coding change: c.3445G>A on transcript NM_002693.3 (MANE Select); coding-DNA position 3445, G replaced by A.
Protein change: p.Ala1149Thr; replaces alanine 1149 with threonine.
Molecular consequence: missense variant.
Genome position (GRCh38, 1-based): chr15:89,318,578, C>T on the plus strand (G>A on the coding strand, the complement: POLG is on the minus strand). VCF-style: chr15-89318578-C-T. GRCh37 (hg19) VCF-style: chr15-89861809-C-T.
Other names: c.3445G>A, p.Ala1149Thr (NM_001126131.2); short protein forms A1149T.
Identifiers: ClinVar variation 586360 (VCV000586360.47), dbSNP rs879135314, ClinGen allele CA274540912.

ClinVar aggregate classification (germline): Uncertain significance. Review status: criteria provided, multiple submitters, no conflicts (2 of 4 stars). 5 submissions from 5 submitters: Uncertain significance (5). Last evaluated 2025-12-23.

Conditions:
Progressive sclerosing poliodystrophy (MTDPS4A). Also called: Alpers Syndrome; ALPERS PROGRESSIVE INFANTILE POLIODYSTROPHY; NEURONAL DEGENERATION OF CHILDHOOD WITH LIVER DISEASE, PROGRESSIVE; ALPERS DIFFUSE DEGENERATION OF CEREBRAL GRAY MATTER WITH HEPATIC CIRRHOSIS; Alpers-Huttenlocher Syndrome; Mitochondrial DNA depletion syndrome 4A (Alpers type). Identifiers: Orphanet 726, MedGen C0205710, MONDO:0008758, OMIM 203700.

Allele frequency attached by ClinVar (database versions not stated): gnomAD exomes below 0.00001 and 0.00003; TOPMed 0.00001; gnomAD 0.00003.
gnomAD v4.1: 52 of 1,613,796 alleles (0.0032%); highest among the groups gnomAD compares: Middle Eastern, 0.017%; no homozygotes.

Submissions (5):

Labcorp Genetics (formerly Invitae), Labcorp
Classification: Uncertain significance for Progressive sclerosing poliodystrophy. Last evaluated: 2025-12-23. Review status: criteria provided, single submitter. Criteria: Invitae Variant Classification Sherloc (09022015). Collection method: clinical testing. Allele origin: germline.
Comment: This sequence change replaces alanine, which is neutral and non-polar, with threonine, which is neutral and polar, at codon 1149 of the POLG protein (p.Ala1149Thr). This variant is present in population databases (no rsID available, gnomAD 0.004%). This variant has not been reported in the literature in individuals affected with POLG-related conditions. ClinVar contains an entry for this variant (Variation ID: 586360). Invitae Evidence Modeling of protein sequence and biophysical properties (such as structural, functional, and spatial information, amino acid conservation, physicochemical variation, residue mobility, and thermodynamic stability) indicates that this missense variant is expected to disrupt POLG protein function with a positive predictive value of 95%. In summary, the available evidence is currently insufficient to determine the role of this variant in disease. Therefore, it has been classified as a Variant of Uncertain Significance.

GeneDx
Classification: Uncertain significance. Last evaluated: 2024-09-26. Review status: criteria provided, single submitter. Criteria: GeneDx Variant Classification Process June 2021. Collection method: clinical testing. Allele origin: germline. Affected: yes.
Comment: Reported in an individual with multiple sclerosis but did not segregate with disease in the family (PMID: 28337550); Not observed at significant frequency in large population cohorts (gnomAD); In silico analysis supports that this missense variant has a deleterious effect on protein structure/function; This variant is associated with the following publications: (PMID: 28337550)

Athena Diagnostics
Classification: Uncertain significance. Last evaluated: 2023-06-22. Review status: criteria provided, single submitter. Criteria: Athena Diagnostics Criteria. Collection method: clinical testing. Allele origin: unknown.
Comment: Available data are insufficient to determine the clinical significance of the variant at this time. The frequency of this variant in the general population is uninformative in assessment of its pathogenicity. Computational tools predict that this variant is damaging.

CeGaT Center for Human Genetics Tuebingen
Classification: Uncertain significance. Last evaluated: 2022-03-01. Review status: criteria provided, single submitter. Criteria: CeGaT Center For Human Genetics Tuebingen Variant Classification Criteria Version 2. Collection method: clinical testing. Allele origin: germline. Affected: yes. Observed: 1 variant allele.
Comment: POLG: PM1, PM2, PP3

Mayo Clinic Laboratories, Mayo Clinic
Classification: Uncertain significance. Last evaluated: 2021-09-17. Review status: criteria provided, single submitter. Criteria: ACMG Guidelines, 2015. Collection method: clinical testing. Allele origin: germline.

Literature cited by the submitters: PubMed 28337550 (cited by Athena Diagnostics).